The following is an entry in ClinVar:

ClinVar aggregate classification (germline): Conflicting classifications of pathogenicity. Review status: criteria provided, conflicting classifications (1 of 4 stars). 2 submissions from 2 submitters: Likely pathogenic (1); Uncertain significance (1). Last evaluated 2025-06-16.

Conditions:
Wilson disease (WND). Also called: Wilson's disease. Identifiers: Orphanet 905, MedGen C0019202, MONDO:0010200, OMIM 277900. Disease mechanism: loss of function.

gnomAD v4.1: 1 of 1,614,230 alleles (0.000062%); highest among the groups gnomAD compares: Non-Finnish European, 0.000085%; no homozygotes.

Submissions (2):

Natera, Inc.
Classification: Likely pathogenic for Wilson disease. Last evaluated: 2025-06-16. Review status: criteria provided, single submitter. Criteria: Natera Variant Classification Schema (03/2026). Collection method: clinical testing. Allele origin: germline.
Comment: The c.3832G>A variant in ATP7B is a missense variant predicted to cause substitution of alanine to threonine at amino acid 1278. This variant is rare in the general population with a frequency below the threshold expected for the associated phenotype(s). This variant has been observed in one or more individuals affected with the associated recessive disease, as either homozygous or compound heterozygous with a second variant (PMID: 35220961). A different variant at the same position has been determined to be Pathogenic or Likely Pathogenic. Computational prediction algorithms indicate this variant is likely to affect gene or protein function. Given the available evidence, this variant is classified as Likely Pathogenic.

Neuberg Centre For Genomic Medicine, NCGM
Classification: Uncertain significance for Wilson disease. Last evaluated: 2023-06-22. Review status: criteria provided, single submitter. Criteria: ACMG Guidelines, 2015. Collection method: clinical testing. Allele origin: germline. Inheritance: Autosomal recessive inheritance. Affected: yes.
Comment: The observed missense c.3832G>A(p.Ala1278Thr) variant in ATP7B gene has not been reported previously as a pathogenic variant nor as a benign variant, to our knowledge. This variant is absent in gnomAD Exomes. The amino acid Ala at position 1278 is changed to a Thr changing protein sequence and it might alter its composition and physico-chemical properties. The amino acid change p.Ala1278Thr in ATP7B is predicted as conserved by GERP++ and PhyloP across 100 vertebrates. Multiple lines of computational evidence (Polyphen - Damaging, SIFT - Damaging, and MutationTaster - Disease causing) predict a damaging effect on protein structure and function for this variant. For these reasons, this variant has been classified as Uncertain Significance.

Literature cited by the submitters: PubMed 35220961 (cited by Natera, Inc.).

NM_000053.4(ATP7B):c.3832G>A (p.Ala1278Thr)

Gene: ATP7B (ATPase copper transporting beta; minus strand). Cytogenetic location: 13q14.3.
Variant type: single nucleotide variant.
Coding change: c.3832G>A on transcript NM_000053.4 (MANE Select); coding-DNA position 3832, G replaced by A.
Protein change: p.Ala1278Thr; replaces alanine 1278 with threonine.
Molecular consequence: missense variant. On other transcripts: intron variant (1).
Genome position (GRCh38, 1-based): chr13:51,937,547, C>T on the plus strand (G>A on the coding strand, the complement: ATP7B is on the minus strand). VCF-style: chr13-51937547-C-T. GRCh37 (hg19) VCF-style: chr13-52511683-C-T.
Other names: c.3832G>A (NM_000053.3); c.3211G>A, p.Ala1071Thr (NM_001005918.3); c.3499G>A, p.Ala1167Thr (NM_001243182.2); c.3598G>A, p.Ala1200Thr (NM_001330578.2, NM_001406527.1, NM_001406528.1); c.3580G>A, p.Ala1194Thr (NM_001330579.2, NM_001406531.1, NM_001406532.1); c.3832G>A, p.Ala1278Thr (NM_001406511.1, NM_001406512.1); c.3826G>A, p.Ala1276Thr (NM_001406513.1); c.3799G>A, p.Ala1267Thr (NM_001406514.1); and 22 more; short protein forms A1051T, A1062T, A1071T, A1084T, A1114T, A1116T, A1129T, A1135T.
Identifiers: ClinVar variation 3731360 (VCV003731360.2).